The following is an entry in ClinVar:

ClinVar aggregate classification (germline): Pathogenic. Review status: criteria provided, single submitter (1 of 4 stars). 2 submissions from 2 submitters: Pathogenic (1). 1 of the submissions does not count toward it. Last evaluated 2018-07-09.

Conditions:
SCN1A-related disorder. Also called: SCN1A-related disorders; SCN1A-related conditions; SCN1A-related condition.
Early-infantile DEE. Also called: Early infantile epileptic encephalopathy; Ohtahara syndrome; Early infantile epileptic encephalopathy with suppression bursts. Identifiers: Orphanet 1934, MedGen C0393706, MONDO:0800491.

Submissions (2):

Labcorp Genetics (formerly Invitae), Labcorp
Classification: Pathogenic for Early-infantile DEE. Last evaluated: 2018-07-09. Review status: criteria provided, single submitter. Criteria: Invitae Variant Classification Sherloc (09022015). Collection method: clinical testing. Allele origin: germline.
Comment: This sequence change replaces valine with phenylalanine at codon 1353 of the SCN1A protein (p.Val1353Phe). The valine residue is highly conserved and there is a small physicochemical difference between valine and phenylalanine. This variant is not present in population databases (ExAC no frequency). Algorithms developed to predict the effect of missense changes on protein structure and function (SIFT, PolyPhen-2, Align-GVGD) all suggest that this variant is likely to be disruptive, but these predictions have not been confirmed by published functional studies and their clinical significance is uncertain. The observation of one or more missense substitutions at this codon (p.Val1353Leu) in affected individuals suggests that this may be a clinically significant residue (PMID: 11254444, 14672992). For these reasons, this variant has been classified as Pathogenic. This variant identified in the SCN1A gene is located in the transmembrane spanning D3-S5 region of the resulting protein (PMID: 25348405, 18804930), but it is unclear how this variant impacts the function of this protein.

PreventionGenetics, part of Exact Sciences
Classification: Likely pathogenic for SCN1A-related condition. Last evaluated: 2024-09-23. Review status: no assertion criteria provided. Collection method: clinical testing. Allele origin: germline. Not counted in ClinVar's aggregate classification.
Comment: The SCN1A c.4057G>T variant is predicted to result in the amino acid substitution p.Val1353Phe. This variant has been reported in an individual with epilepsy, but no additional evidence was provided to support pathogenicity (Truty et al. 2019. PubMed ID: 31440721). This variant is absent from the gnomAD general population database, indicating it is rare. An alternate nucleotide change affecting the same amino acid (c.4057G>C; p.Val1353Leu) has been reported in individuals with generalized epilepsy (Wallace et al. 2001. PubMed ID: 11254444), and functional studies support its pathogenicity (Berecki et al. 2019. PubMed ID: 30779207; Lossin et al. 2003. PubMed ID: 14672992). The c.4057G>T (p.Val1353Phe) variant is documented in ClinVar as pathogenic by one laboratory, and it has been detected de novo in affected individuals in clinical testing (ClinVar, PreventionGenetics internal data). Taken together, the c.4057G>T (p.Val1353Phe) variant is classified as likely pathogenic.

Literature cited by the submitters: PubMed 11254444 (cited by Labcorp Genetics (formerly Invitae), Labcorp); PubMed 14672992 (cited by Labcorp Genetics (formerly Invitae), Labcorp); PubMed 25348405 (cited by Labcorp Genetics (formerly Invitae), Labcorp); PubMed 18804930 (cited by Labcorp Genetics (formerly Invitae), Labcorp).

NM_001165963.4(SCN1A):c.4057G>T (p.Val1353Phe)

Genes: SCN1A (sodium voltage-gated channel alpha subunit 1; minus strand), LOC102724058 (uncharacterized LOC102724058; plus strand). Cytogenetic location: 2q24.3.
Variant type: single nucleotide variant.
Coding change: c.4057G>T on transcript NM_001165963.4 (MANE Select); coding-DNA position 4057, G replaced by T.
Protein change: p.Val1353Phe; replaces valine 1353 with phenylalanine.
Molecular consequence: missense variant. On other transcripts: non-coding transcript variant (1).
Genome position (GRCh38, 1-based): chr2:166,002,699, C>A on the plus strand (G>T on the coding strand, the complement: SCN1A is on the minus strand). VCF-style: chr2-166002699-C-A. GRCh37 (hg19) VCF-style: chr2-166859209-C-A.
Other names: c.3973G>T, p.Val1325Phe (NM_001165964.3, NM_001353957.2, NM_001353958.2); c.4057G>T, p.Val1353Phe (NM_001202435.3, NM_001353948.2); c.4024G>T, p.Val1342Phe (NM_001353949.2, NM_001353950.2, NM_001353951.2 and 2 more transcripts); c.4021G>T, p.Val1341Phe (NM_001353954.2, NM_001353955.2); c.3970G>T, p.Val1324Phe (NM_001353960.2); c.1615G>T, p.Val539Phe (NM_001353961.2); c.4057G>T (NM_001202435.1); short protein forms V1342F, V1353F, V539F, V1325F, V1324F, V1341F.
Identifiers: ClinVar variation 577950 (VCV000577950.12), dbSNP rs121917954, ClinGen allele CA349050668.
Genomic context (GRCh38, chr2:166,002,699, plus strand): 5'-ATTTGCCAGCAAACAAATTTACGCCCATGATGCTGAAAATTAGCCAGAATATAAGACAAA[C>A]CAGAAGCACATTCATGATGGATGGAATTGCTCCTAAAAGGGCATTCACAACCACCTAATA-3'
Protein context (NP_001159435.1, residues 1343-1363): AIPSIMNVLL[Val1353Phe]CLIFWLIFSI